The following is an entry in ClinVar:

ClinVar aggregate classification (germline): Uncertain significance. Review status: criteria provided, multiple submitters, no conflicts (2 of 4 stars). 2 submissions from 2 submitters: Uncertain significance (2). Last evaluated 2024-08-04.

Allele frequency attached by ClinVar (database versions not stated): ExAC 0.00001; gnomAD exomes 0.00001.
gnomAD v4.1: 19 of 1,614,224 alleles (0.0012%); highest among the groups gnomAD compares: Non-Finnish European, 0.0016%; no homozygotes.

Submissions (2):

Ambry Genetics
Classification: Uncertain significance. Last evaluated: 2024-08-04. Review status: criteria provided, single submitter. Criteria: Ambry Variant Classification Scheme 2023. Collection method: clinical testing. Allele origin: germline.

Labcorp Genetics (formerly Invitae), Labcorp
Classification: Uncertain significance. Last evaluated: 2024-05-18. Review status: criteria provided, single submitter. Criteria: Invitae Variant Classification Sherloc (09022015). Collection method: clinical testing. Allele origin: germline.
Comment: This sequence change replaces glycine, which is neutral and non-polar, with glutamic acid, which is acidic and polar, at codon 436 of the IRF2BP2 protein (p.Gly436Glu). This variant is present in population databases (rs751453537, gnomAD 0.0009%). This variant has not been reported in the literature in individuals affected with IRF2BP2-related conditions. ClinVar contains an entry for this variant (Variation ID: 1376377). An algorithm developed to predict the effect of missense changes on protein structure and function (PolyPhen-2) suggests that this variant is likely to be disruptive. In summary, the available evidence is currently insufficient to determine the role of this variant in disease. Therefore, it has been classified as a Variant of Uncertain Significance.

NM_182972.3(IRF2BP2):c.1307G>A (p.Gly436Glu)

Gene: IRF2BP2 (interferon regulatory factor 2 binding protein 2; minus strand). Cytogenetic location: 1q42.3.
Variant type: single nucleotide variant.
Coding change: c.1307G>A on transcript NM_182972.3 (MANE Select); coding-DNA position 1307, G replaced by A.
Protein change: p.Gly436Glu; replaces glycine 436 with glutamic acid.
Molecular consequence: missense variant.
Genome position (GRCh38, 1-based): chr1:234,607,594, C>T on the plus strand (G>A on the coding strand, the complement: IRF2BP2 is on the minus strand). VCF-style: chr1-234607594-C-T. GRCh37 (hg19) VCF-style: chr1-234743340-C-T.
Other names: c.1307G>A (NM_182972.2); c.1259G>A, p.Gly420Glu (NM_001077397.1); short protein forms G436E, G420E.
Identifiers: ClinVar variation 1376377 (VCV001376377.7), dbSNP rs751453537, ClinGen allele CA1461594.